The following is an entry in ClinVar:

NM_144772.3(NAXE):c.560T>C (p.Ile187Thr)

Gene: NAXE (NAD(P)HX epimerase; plus strand). Cytogenetic location: 1q22.
Variant type: single nucleotide variant.
Coding change: c.560T>C on transcript NM_144772.3 (MANE Select); coding-DNA position 560, T replaced by C.
Protein change: p.Ile187Thr; replaces isoleucine 187 with threonine.
Molecular consequence: missense variant.
Genome position (GRCh38, 1-based): chr1:156,593,451, T>C. VCF-style: chr1-156593451-T-C. GRCh37 (hg19) VCF-style: chr1-156563243-T-C.
Other names: short protein forms I187T.
Identifiers: ClinVar variation 1483447 (VCV001483447.6), dbSNP rs2102491095, ClinGen allele CA342874587.

ClinVar aggregate classification (germline): Uncertain significance (1 of 4 stars; one submission).

Allele frequency attached by ClinVar (database versions not stated): gnomAD exomes below 0.00001.
gnomAD v4.1: 2 of 1,614,186 alleles (0.00012%); highest among the groups gnomAD compares: Non-Finnish European, 0.00017%; no homozygotes.

Submission:

Labcorp Genetics (formerly Invitae), Labcorp
Classification: Uncertain significance. Last evaluated: 2021-11-27. Review status: criteria provided, single submitter. Criteria: Invitae Variant Classification Sherloc (09022015). Collection method: clinical testing. Allele origin: germline.
Comment: This sequence change replaces isoleucine, which is neutral and non-polar, with threonine, which is neutral and polar, at codon 187 of the NAXE protein (p.Ile187Thr). This variant is not present in population databases (gnomAD no frequency). This variant has not been reported in the literature in individuals affected with NAXE-related conditions. Algorithms developed to predict the effect of missense changes on protein structure and function are either unavailable or do not agree on the potential impact of this missense change (SIFT: "Deleterious"; PolyPhen-2: "Probably Damaging"; Align-GVGD: "Class C0"). In summary, the available evidence is currently insufficient to determine the role of this variant in disease. Therefore, it has been classified as a Variant of Uncertain Significance.